The following is an entry in ClinVar:

NM_001854.4(COL11A1):c.2556+96C>G

Gene: COL11A1 (collagen type XI alpha 1 chain; minus strand). Cytogenetic location: 1p21.1.
Variant type: single nucleotide variant.
Coding change: c.2556+96C>G on transcript NM_001854.4 (MANE Select); 96 bases into the intron after coding-DNA position 2556, C replaced by G.
Molecular consequence: intron variant.
Genome position (GRCh38, 1-based): chr1:102,984,042, G>C on the plus strand (C>G on the coding strand, the complement: COL11A1 is on the minus strand). VCF-style: chr1-102984042-G-C. GRCh37 (hg19) VCF-style: chr1-103449598-G-C.
Other names: c.2439+96C>G (NM_001190709.2); c.2592+96C>G (NM_080629.3); c.2208+96C>G (NM_080630.4).
Identifiers: ClinVar variation 674755 (VCV000674755.4), dbSNP rs2615978, ClinGen allele CA10987248.
Genomic context (GRCh38, chr1:102,984,042, plus strand): 5'-GCACTCCAGGCGTCCACACACTCTATGATTTTCCTTGTGAAATTATTTTTAAGTACTCAT[G>C]ATAATATAGAGATGTTACAAATTGTAAGGTAATCATAAGTGATTAATATTATCTTCACGA-3'

ClinVar aggregate classification (germline): Benign. Review status: criteria provided, multiple submitters, no conflicts (2 of 4 stars). 3 submissions from 3 submitters: Benign (2). 1 of the submissions does not count toward it. Last evaluated 2018-06-14.

Conditions:
COL11A1-related disorder. Also called: COL11A1-related condition; COL11A1-related disorders.

Allele frequency attached by ClinVar (database versions not stated): TOPMed 0.93744; gnomAD 0.93854 and 0.94123; 1000 Genomes Project 30x 0.94519; 1000 Genomes Project 0.94828.
gnomAD v4.1: 875,804 of 911,226 alleles (96%); highest among the groups gnomAD compares: East Asian, 100%; 421,257 homozygotes.

Submissions (3):

GeneDx
Classification: Benign. Last evaluated: 2018-06-14. Review status: criteria provided, single submitter. Criteria: GeneDx Variant Classification (06012015). Collection method: clinical testing. Allele origin: germline. Affected: yes.
Comment: This variant is considered likely benign or benign based on one or more of the following criteria: it is a conservative change, it occurs at a poorly conserved position in the protein, it is predicted to be benign by multiple in silico algorithms, and/or has population frequency not consistent with disease.

Breakthrough Genomics
Classification: Benign. Review status: criteria provided, single submitter. Criteria: ACMG Guidelines, 2015. Collection method: not provided. Allele origin: germline. Inheritance: Autosomal recessive inheritance. Affected: yes.

PreventionGenetics, part of Exact Sciences
Classification: Benign for COL11A1-related condition. Last evaluated: 2022-09-08. Review status: no assertion criteria provided. Collection method: clinical testing. Allele origin: germline. Not counted in ClinVar's aggregate classification.
Comment: This variant is classified as benign based on ACMG/AMP sequence variant interpretation guidelines (Richards et al. 2015 PMID: 25741868, with internal and published modifications).